The following is an entry in ClinVar:

NM_004260.4(RECQL4):c.1097del (p.Gly366fs)

Gene: RECQL4 (RecQ like helicase 4; minus strand). Cytogenetic location: 8q24.3.
Variant type: Deletion.
Coding change: c.1097del on transcript NM_004260.4 (MANE Select); coding-DNA position 1097, one base deleted (G; older notation c.1097delG).
Protein change: p.Gly366fs; shifts the reading frame from glycine 366.
Molecular consequence: frameshift variant.
Genome position (GRCh38, 1-based): chr8:144,516,022, C deleted on the plus strand (G on the coding strand, the reverse complement: RECQL4 is on the minus strand); the first of 4 consecutive C bases (chr8:144,516,022-144,516,025); deleting any one gives the same sequence. VCF-style (leftmost placement, unchanged base first): chr8-144516021-GC-G. GRCh37 (hg19) VCF-style: chr8-145741405-GC-G.
Other names: c.998delG, p.Gly334Alafs (NM_001413017.1, NM_001413020.1); c.1094delG, p.Gly366Alafs (NM_001413018.1, NM_001413019.1, NM_001413033.1 and 2 more transcripts); c.23delG, p.Gly9Alafs (NM_001413021.1, NM_001413022.1, NM_001413023.1 and 8 more transcripts); c.965delG, p.Gly323Alafs (NM_001413025.1); c.-40delG (NM_001413027.1, NM_001413030.1, NM_001413031.1 and 2 more transcripts); c.743delG, p.Gly249Alafs (NM_001413029.1); c.-247delG (NM_001413043.1); short protein forms G366fs.
Identifiers: ClinVar variation 2057860 (VCV002057860.4), dbSNP rs2538078976, ClinGen allele CA2580078836.

ClinVar aggregate classification (germline): Pathogenic (1 of 4 stars; one submission).

Conditions:
Baller-Gerold syndrome (BGS). Also called: CRANIOSYNOSTOSIS WITH RADIAL DEFECTS. Identifiers: Orphanet 1225, MedGen C0265308, MONDO:0009039, OMIM 218600.

Submission:

Labcorp Genetics (formerly Invitae), Labcorp
Classification: Pathogenic for Baller-Gerold syndrome. Last evaluated: 2021-12-24. Review status: criteria provided, single submitter. Criteria: Invitae Variant Classification Sherloc (09022015). Collection method: clinical testing. Allele origin: germline.
Comment: This variant is not present in population databases (gnomAD no frequency). For these reasons, this variant has been classified as Pathogenic. This variant has not been reported in the literature in individuals affected with RECQL4-related conditions. This sequence change creates a premature translational stop signal (p.Gly366Alafs*40) in the RECQL4 gene. It is expected to result in an absent or disrupted protein product. Loss-of-function variants in RECQL4 are known to be pathogenic (PMID: 12734318, 12952869).

Literature cited by the submitters: PubMed 12734318; PubMed 12952869.